The following is an entry in ClinVar:

NM_007194.4(CHEK2):c.272C>A (p.Ala91Asp)

Gene: CHEK2 (checkpoint kinase 2; minus strand). Cytogenetic location: 22q12.1.
Variant type: single nucleotide variant.
Coding change: c.272C>A on transcript NM_007194.4 (MANE Select); coding-DNA position 272, C replaced by A.
Protein change: p.Ala91Asp; replaces alanine 91 with aspartic acid.
Molecular consequence: missense variant.
Genome position (GRCh38, 1-based): chr22:28,734,450, G>T on the plus strand (C>A on the coding strand, the complement: CHEK2 is on the minus strand). VCF-style: chr22-28734450-G-T. GRCh37 (hg19) VCF-style: chr22-29130438-G-T.
Other names: c.272C>A, p.Ala91Asp (NM_001005735.3, NM_001349956.3, NM_145862.3); c.-506C>A (NM_001257387.3); short protein forms A91D.
Identifiers: ClinVar variation 231301 (VCV000231301.16), dbSNP rs748559775, ClinGen allele CA10168052.
Genomic context (GRCh38, chr22:28,734,450, plus strand): 5'-CAAAGGGTCTTACCAAGATTGGCAAATCCATCCTGAAGGGCCCATAATCGAGCCCAGGGG[G>T]CAGGGGTAGGCTCCTCAGGTTCTTGGTCCTCAGGTTCTTGGTCCTCAGGAATAGAATAGA-3'
Protein context (NP_009125.1, residues 81-101): EDQEPEEPTP[Ala91Asp]PWARLWALQD

ClinVar aggregate classification (germline): Uncertain significance. Review status: criteria provided, multiple submitters, no conflicts (2 of 4 stars). 3 submissions from 3 submitters: Uncertain significance (3). Last evaluated 2022-09-01.

Conditions:
Hereditary cancer-predisposing syndrome. Also called: Neoplastic Syndromes, Hereditary; Tumor predisposition; Hereditary Cancer Syndrome; Hereditary neoplastic syndrome. Identifiers: Orphanet 140162, MedGen C0027672, MeSH D009386, MONDO:0015356.
Familial cancer of breast. Also called: BREAST CANCER, FAMILIAL; hereditary breast carcinoma; Hereditary breast cancer. Identifiers: Orphanet 227535, MedGen C0346153, MONDO:0016419, OMIM 114480. Disease mechanism: loss of function.

Allele frequency attached by ClinVar (database versions not stated): ExAC 0.00001.
gnomAD v4.1: 1 of 1,614,050 alleles (0.000062%); highest among the groups gnomAD compares: Non-Finnish European, 0.000085%; no homozygotes.

Submissions (3):

Ambry Genetics
Classification: Uncertain significance for Hereditary cancer-predisposing syndrome. Last evaluated: 2022-09-01. Review status: criteria provided, single submitter. Criteria: Ambry Variant Classification Scheme 2023. Collection method: clinical testing. Allele origin: germline.
Comment: The p.A91D variant (also known as c.272C>A), located in coding exon 1 of the CHEK2 gene, results from a C to A substitution at nucleotide position 272. The alanine at codon 91 is replaced by aspartic acid, an amino acid with dissimilar properties. This alteration was identified in 1/1358 non-cancer control individuals and in 0/57 cases, in a study looking at cancer predisposition mutations in patients with cutaneous melanoma and a history of at least two additional non-cutaneous melanoma primary cancers (Pritchard AL. et al. PLoS One. 2018 Apr;13(4):e0194098). This amino acid position is not well conserved in available vertebrate species. In addition, the in silico prediction for this alteration is inconclusive. Since supporting evidence is limited at this time, the clinical significance of this alteration remains unclear.

Sema4
Classification: Uncertain significance for Hereditary cancer-predisposing syndrome. Last evaluated: 2021-06-23. Review status: criteria provided, single submitter. Criteria: Sema4 Curation Guidelines. Collection method: curation. Allele origin: germline.
Comment: To the best of our knowledge, the CHEK2 c.272C>A (p.A91D) variant has not been reported in individuals with CHEK2-related disease. It was observed in 1/113628 chromosomes of the Non-Finnish European subpopulation in the large and broad cohorts of the Genome Aggregation Database (PMID: 32461654). The variant has been reported in ClinVar (Variation ID 231301). Functional studies have not been performed, and in silico predictions of the variant's effect on protein function are inconclusive. The evidence is insufficient to meet ACMG/AMP criteria for classifying the variant as benign or pathogenic. Thus, the clinical significance of this variant is currently uncertain.

Labcorp Genetics (formerly Invitae), Labcorp
Classification: Uncertain significance for Familial cancer of breast. Last evaluated: 2021-04-19. Review status: criteria provided, single submitter. Criteria: Invitae Variant Classification Sherloc (09022015). Collection method: clinical testing. Allele origin: germline.
Comment: This variant has not been reported in the literature in individuals with CHEK2-related conditions. ClinVar contains an entry for this variant (Variation ID: 231301). In summary, the available evidence is currently insufficient to determine the role of this variant in disease. Therefore, it has been classified as a Variant of Uncertain Significance. Algorithms developed to predict the effect of missense changes on protein structure and function (SIFT, PolyPhen-2, Align-GVGD) all suggest that this variant is likely to be tolerated, but these predictions have not been confirmed by published functional studies and their clinical significance is uncertain. This variant is present in population databases (rs748559775, ExAC 0.002%). This sequence change replaces alanine with aspartic acid at codon 91 of the CHEK2 protein (p.Ala91Asp). The alanine residue is moderately conserved and there is a moderate physicochemical difference between alanine and aspartic acid.

Literature cited by the submitters: PubMed 29641532 (cited by Ambry Genetics).